The following is an entry in ClinVar:

ClinVar aggregate classification (germline): Uncertain significance. Review status: criteria provided, multiple submitters, no conflicts (2 of 4 stars). 2 submissions from 2 submitters: Uncertain significance (2). Last evaluated 2023-01-18.

Conditions:
Inborn genetic diseases. Identifiers: MedGen C0950123, MeSH D030342.
Brachyolmia-amelogenesis imperfecta syndrome. Also called: PLATYSPONDYLY WITH AMELOGENESIS IMPERFECTA; Tooth agenesis, selective, 6; Dental anomalies and short stature. Identifiers: Orphanet 2899, MedGen C1832594, MONDO:0011018, OMIM 601216. Disease mechanism: loss of function.

gnomAD v4.1: 2 of 1,605,534 alleles (0.00012%); highest among the groups gnomAD compares: African/African-American, 0.0027%; no homozygotes.

Submissions (2):

Ambry Genetics
Classification: Uncertain significance for Inborn genetic diseases. Last evaluated: 2023-01-18. Review status: criteria provided, single submitter. Criteria: Ambry Variant Classification Scheme 2023. Collection method: clinical testing. Allele origin: germline.
Comment: The p.G655R variant (also known as c.1963G>A), located in coding exon 13 of the LTBP3 gene, results from a G to A substitution at nucleotide position 1963. The glycine at codon 655 is replaced by arginine, an amino acid with dissimilar properties. This amino acid position is conserved. In addition, the in silico prediction for this alteration is inconclusive. Since supporting evidence is limited at this time, the clinical significance of this alteration remains unclear.

Labcorp Genetics (formerly Invitae), Labcorp
Classification: Uncertain significance for Brachyolmia-amelogenesis imperfecta syndrome. Last evaluated: 2022-06-27. Review status: criteria provided, single submitter. Criteria: Invitae Variant Classification Sherloc (09022015). Collection method: clinical testing. Allele origin: germline.
Comment: This sequence change replaces glycine, which is neutral and non-polar, with arginine, which is basic and polar, at codon 655 of the LTBP3 protein (p.Gly655Arg). In summary, the available evidence is currently insufficient to determine the role of this variant in disease. Therefore, it has been classified as a Variant of Uncertain Significance. Algorithms developed to predict the effect of missense changes on protein structure and function output the following: SIFT: "Tolerated"; PolyPhen-2: "Benign"; Align-GVGD: "Class C0". The arginine amino acid residue is found in multiple mammalian species, which suggests that this missense change does not adversely affect protein function. This variant has not been reported in the literature in individuals affected with LTBP3-related conditions. This variant is not present in population databases (gnomAD no frequency).

NM_001130144.3(LTBP3):c.1963G>A (p.Gly655Arg)

Genes: LTBP3 (latent transforming growth factor beta binding protein 3; minus strand), LOC130006032 (ATAC-STARR-seq lymphoblastoid silent region 3535; plus strand). Cytogenetic location: 11q13.1.
Variant type: single nucleotide variant.
Coding change: c.1963G>A on transcript NM_001130144.3 (MANE Select); coding-DNA position 1963, G replaced by A.
Protein change: p.Gly655Arg; replaces glycine 655 with arginine.
Molecular consequence: missense variant.
Genome position (GRCh38, 1-based): chr11:65,547,705, C>T on the plus strand (G>A on the coding strand, the complement: LTBP3 is on the minus strand). VCF-style: chr11-65547705-C-T. GRCh37 (hg19) VCF-style: chr11-65315176-C-T.
Other names: c.1963G>A (NM_001130144.2); c.1612G>A, p.Gly538Arg (NM_001164266.1); c.1963G>A, p.Gly655Arg (NM_021070.4); short protein forms G655R, G538R.
Identifiers: ClinVar variation 1480733 (VCV001480733.8), dbSNP rs770990142, ClinGen allele CA223964617.